The following is an entry in ClinVar:

NM_001868.4(CPA1):c.586-3C>G

Gene: CPA1 (carboxypeptidase A1; plus strand). Cytogenetic location: 7q32.2.
Variant type: single nucleotide variant.
Coding change: c.586-3C>G on transcript NM_001868.4 (MANE Select); 3 bases into the intron before coding-DNA position 586, C replaced by G.
Molecular consequence: intron variant.
Genome position (GRCh38, 1-based): chr7:130,383,681, C>G. VCF-style: chr7-130383681-C-G. GRCh37 (hg19) VCF-style: chr7-130023522-C-G.
Identifiers: ClinVar variation 3012753 (VCV003012753.3), dbSNP rs557631781, ClinGen allele CA2740094856.

ClinVar aggregate classification (germline): Uncertain significance (1 of 4 stars; one submission).

Submission:

Labcorp Genetics (formerly Invitae), Labcorp
Classification: Uncertain significance. Last evaluated: 2023-11-13. Review status: criteria provided, single submitter. Criteria: Invitae Variant Classification Sherloc (09022015). Collection method: clinical testing. Allele origin: germline.
Comment: This sequence change falls in intron 5 of the CPA1 gene. It does not directly change the encoded amino acid sequence of the CPA1 protein. It affects a nucleotide within the consensus splice site. This variant is not present in population databases (gnomAD no frequency). This variant has not been reported in the literature in individuals affected with CPA1-related conditions. Variants that disrupt the consensus splice site are a relatively common cause of aberrant splicing (PMID: 17576681, 9536098). Algorithms developed to predict the effect of sequence changes on RNA splicing suggest that this variant may disrupt the consensus splice site. In summary, the available evidence is currently insufficient to determine the role of this variant in disease. Therefore, it has been classified as a Variant of Uncertain Significance.

Literature cited by the submitters: PubMed 17576681; PubMed 9536098.